The following is an entry in ClinVar:

NM_000051.4(ATM):c.331+2del

Gene: ATM (ATM serine/threonine kinase; plus strand). Cytogenetic location: 11q22.3.
Variant type: Deletion.
Coding change: c.331+2del on transcript NM_000051.4 (MANE Select); the canonical splice donor site of the intron after coding-DNA position 331, one base deleted (T; older notation c.331+2delT).
Molecular consequence: splice donor variant. On other transcripts: frameshift variant (2).
Genome position (GRCh38, 1-based): chr11:108,229,325, T deleted. VCF-style (leftmost placement, unchanged base first): chr11-108229324-GT-G. GRCh37 (hg19) VCF-style: chr11-108100051-GT-G.
Other names: c.333del, p.Ser111fs (NM_001351835.2, NM_001351836.2); c.331+2del (NM_001351834.2); short protein forms S111fs.
Identifiers: ClinVar variation 3148452 (VCV003148452.1), dbSNP rs2496924580, ClinGen allele CA2825001746.

ClinVar aggregate classification (germline): Likely pathogenic (1 of 4 stars; one submission).

Conditions:
Familial cancer of breast. Also called: BREAST CANCER, FAMILIAL; Hereditary breast cancer; hereditary breast carcinoma. Identifiers: Orphanet 227535, MedGen C0346153, MONDO:0016419, OMIM 114480. Disease mechanism: loss of function.

Submission:

Myriad Genetics, Inc.
Classification: Likely pathogenic for Familial cancer of breast. Last evaluated: 2024-01-09. Review status: criteria provided, single submitter. Criteria: Myriad Autosomal Dominant, Autosomal Recessive and X-Linked Classification Criteria (2023). Collection method: clinical testing. Allele origin: unknown.
Comment: This variant is considered likely pathogenic. This variant occurs within a consensus splice junction and is predicted to result in abnormal mRNA splicing of either an out-of-frame exon or an in-frame exon necessary for protein stability and/or normal function.